The following is an entry in ClinVar:

ClinVar aggregate classification (germline): Conflicting classifications of pathogenicity. Review status: criteria provided, conflicting classifications (1 of 4 stars). 3 submissions from 3 submitters: Uncertain significance (1); Likely benign (1). 1 of the submissions does not count toward it. Last evaluated 2024-07-25.

Conditions:
Duchenne muscular dystrophy (DMD). Also called: MUSCULAR DYSTROPHY, PSEUDOHYPERTROPHIC PROGRESSIVE, DUCHENNE TYPE; Duchenne Muscular Dystrophy (DMD). Identifiers: Orphanet 98896, MedGen C0013264, MONDO:0010679, OMIM 310200.
Dystrophin deficiency.
Becker muscular dystrophy (BMD). Also called: MUSCULAR DYSTROPHY, PSEUDOHYPERTROPHIC PROGRESSIVE, BECKER TYPE; Becker Muscular Dystrophy (BMD). Identifiers: Orphanet 98895, MedGen C0917713, MONDO:0010311, OMIM 300376.
Cardiomyopathy (CMYO). Also called: Cardiomyopathies. Identifiers: Orphanet 167848, MedGen C0878544, MONDO:0004994, HP:0001638. Inheritance: Various modes of inheritance.

Allele frequency attached by ClinVar (database versions not stated): gnomAD exomes 0.00001 and below 0.00001; TOPMed 0.00001; ExAC 0.00001.
gnomAD v4.1: 2 of 1,211,282 alleles (0.00017%); highest among the groups gnomAD compares: South Asian, 0.0035%; no homozygotes.

Submissions (3):

ARUP Laboratories, Molecular Genetics and Genomics, ARUP Laboratories
Classification: Uncertain significance. Last evaluated: 2024-07-25. Review status: criteria provided, single submitter. Criteria: ARUP Molecular Germline Variant Investigation Process 2024. Collection method: clinical testing. Allele origin: germline.
Comment: The DMD c.8137A>G; p.Asn2713Asp variant (rs766553671), to our knowledge, is not reported in the medical literature but is reported in ClinVar (Variation ID: 970203). This variant is only observed on one allele in the Genome Aggregation Database (v2.1.1), indicating it is not a common polymorphism. Computational analyses predict that this variant is neutral (REVEL: 0.140). Due to limited information, the clinical significance of this variant is uncertain at this time.

Labcorp Genetics (formerly Invitae), Labcorp
Classification: Likely benign for Duchenne muscular dystrophy. Last evaluated: 2024-05-22. Review status: criteria provided, single submitter. Criteria: Invitae Variant Classification Sherloc (09022015). Collection method: clinical testing. Allele origin: germline.

Natera, Inc.
Classification: Uncertain significance for Becker muscular dystrophy; Cardiomyopathy; Duchenne muscular dystrophy; Dystrophin deficiency. Last evaluated: 2019-02-22. Review status: no assertion criteria provided. Collection method: clinical testing. Allele origin: germline. Not counted in ClinVar's aggregate classification.

NM_004006.3(DMD):c.8137A>G (p.Asn2713Asp)

Gene: DMD (dystrophin; minus strand). Cytogenetic location: Xp21.1.
Variant type: single nucleotide variant.
Coding change: c.8137A>G on transcript NM_004006.3 (MANE Select); coding-DNA position 8137, A replaced by G.
Protein change: p.Asn2713Asp; replaces asparagine 2713 with aspartic acid.
Molecular consequence: missense variant.
Genome position (GRCh38, 1-based): chrX:31,627,753, T>C on the plus strand (A>G on the coding strand, the complement: DMD is on the minus strand). VCF-style: chrX-31627753-T-C. GRCh37 (hg19) VCF-style: chrX-31645870-T-C.
Other names: c.8113A>G, p.Asn2705Asp (NM_000109.4); c.8125A>G, p.Asn2709Asp (NM_004009.3); c.7768A>G, p.Asn2590Asp (NM_004010.3); c.4114A>G, p.Asn1372Asp (NM_004011.4); c.4105A>G, p.Asn1369Asp (NM_004012.4); c.757A>G, p.Asn253Asp (NM_004013.3, NM_004020.4, NM_004021.3 and 2 more transcripts); short protein forms N1372D, N253D, N2705D, N1369D, N2709D, N2713D, N2590D.
Identifiers: ClinVar variation 970203 (VCV000970203.8), dbSNP rs766553671, ClinGen allele CA10378138.